The following is an entry in ClinVar:

NM_001267550.2(TTN):c.7962G>C (p.Arg2654Ser)

Gene: TTN (titin; minus strand). Cytogenetic location: 2q31.2.
Variant type: single nucleotide variant.
Coding change: c.7962G>C on transcript NM_001267550.2 (MANE Select); coding-DNA position 7962, G replaced by C.
Protein change: p.Arg2654Ser; replaces arginine 2654 with serine.
Molecular consequence: missense variant.
Genome position (GRCh38, 1-based): chr2:178,771,365, C>G on the plus strand (G>C on the coding strand, the complement: TTN is on the minus strand). VCF-style: chr2-178771365-C-G. GRCh37 (hg19) VCF-style: chr2-179636092-C-G.
Other names: c.7962G>C, p.Arg2654Ser (NM_001256850.1, NM_133378.4, NM_133379.5); c.7824G>C, p.Arg2608Ser (NM_003319.4, NM_133432.3, NM_133437.4); short protein forms R2654S, R2608S.
Identifiers: ClinVar variation 1760780 (VCV001760780.2), dbSNP rs1422023102, ClinGen allele CA349678590.

ClinVar aggregate classification (germline): Uncertain significance (1 of 4 stars; one submission).

Conditions:
Cardiovascular phenotype. Identifiers: MedGen CN230736.

Allele frequency attached by ClinVar (database versions not stated): TOPMed below 0.00001.
gnomAD v4.1: 1 of 1,614,030 alleles (0.000062%); highest among the groups gnomAD compares: Non-Finnish European, 0.000085%; no homozygotes.

Submission:

Ambry Genetics
Classification: Uncertain significance for Cardiovascular phenotype. Last evaluated: 2020-09-22. Review status: criteria provided, single submitter. Criteria: Ambry Variant Classification Scheme 2023. Collection method: clinical testing. Allele origin: germline.
Comment: The p.R2608S variant (also known as c.7824G>C), located in coding exon 32 of the TTN gene, results from a G to C substitution at nucleotide position 7824. The arginine at codon 2608 is replaced by serine, an amino acid with dissimilar properties. This amino acid position is poorly conserved in available vertebrate species. In addition, this alteration is predicted to be tolerated by in silico analysis. Since supporting evidence is limited at this time, the clinical significance of this alteration remains unclear.